The following is an entry in ClinVar:

NM_020433.5(JPH2):c.2044CTG[1] (p.Leu683del)

Gene: JPH2 (junctophilin 2; minus strand). Cytogenetic location: 20q13.12.
Variant type: Microsatellite.
Coding change: c.2044CTG[1] on transcript NM_020433.5 (MANE Select); one copy of the 3-base unit CTG starting at c.2044; the reference has two copies in a row; one copy, 3 bases deleted.
Protein change: p.Leu683del; deletes leucine 683.
Molecular consequence: inframe deletion.
Genome position (GRCh38, 1-based): chr20:44,114,838-44,114,840, CAG deleted on the plus strand (CTG on the coding strand, the reverse complement: JPH2 is on the minus strand); deleting any 3 consecutive bases within chr20:44,114,838-44,114,843 gives the same sequence; the position shown is the placement nearest the transcript's 3' end. VCF-style (leftmost placement, unchanged base first): chr20-44114837-TCAG-T. GRCh37 (hg19) VCF-style: chr20-42743477-TCAG-T.
Other names: short protein forms L683del.
Identifiers: ClinVar variation 942590 (VCV000942590.9), dbSNP rs2072175115, ClinGen allele CA2365624621.
Genomic context (GRCh38, chr20:44,114,837, plus strand): 5'-TGCACCTGGTAAGCGACGGTCAGGTCAGGAGGTGAACAAAGAGGATGGCCAGGCCGATGT[TCAG>T]CAGGATCACCATGCAGATGAGGATGGTGTTGGGGACCTGGGAGCAGTGGAGAGAGGCTTC-3'

ClinVar aggregate classification (germline): Uncertain significance (1 of 4 stars; one submission).

Conditions:
Hypertrophic cardiomyopathy. Also called: HYPERTROPHIC MYOCARDIOPATHY. Identifiers: Orphanet 217569, MedGen C0007194, MeSH D002312, MONDO:0005045, HP:0001639.

Submission:

Labcorp Genetics (formerly Invitae), Labcorp
Classification: Uncertain significance for Hypertrophic cardiomyopathy. Last evaluated: 2023-10-10. Review status: criteria provided, single submitter. Criteria: Invitae Variant Classification Sherloc (09022015). Collection method: clinical testing. Allele origin: germline.
Comment: This variant, c.2047_2049del, results in the deletion of 1 amino acid(s) of the JPH2 protein (p.Leu683del), but otherwise preserves the integrity of the reading frame. This variant is not present in population databases (gnomAD no frequency). This variant has not been reported in the literature in individuals affected with JPH2-related conditions. ClinVar contains an entry for this variant (Variation ID: 942590). Experimental studies and prediction algorithms are not available or were not evaluated, and the functional significance of this variant is currently unknown. In summary, the available evidence is currently insufficient to determine the role of this variant in disease. Therefore, it has been classified as a Variant of Uncertain Significance.